The following is an entry in ClinVar:

NM_005609.4(PYGM):c.1692C>G (p.Phe564Leu)

Gene: PYGM (glycogen phosphorylase, muscle associated; minus strand). Cytogenetic location: 11q13.1.
Variant type: single nucleotide variant.
Coding change: c.1692C>G on transcript NM_005609.4 (MANE Select); coding-DNA position 1692, C replaced by G.
Protein change: p.Phe564Leu; replaces phenylalanine 564 with leucine.
Molecular consequence: missense variant.
Genome position (GRCh38, 1-based): chr11:64,752,000, G>C on the plus strand (C>G on the coding strand, the complement: PYGM is on the minus strand). VCF-style: chr11-64752000-G-C. GRCh37 (hg19) VCF-style: chr11-64519472-G-C.
Other names: c.1428C>G, p.Phe476Leu (NM_001164716.1); short protein forms F476L, F564L.
Identifiers: ClinVar variation 3367240 (VCV003367240.1).

ClinVar aggregate classification (germline): Uncertain significance (1 of 4 stars; one submission).

gnomAD v4.1: 9 of 1,614,128 alleles (0.00056%); highest among the groups gnomAD compares: Admixed American, 0.0033%; no homozygotes.

Submission:

GeneDx
Classification: Uncertain significance. Last evaluated: 2023-12-27. Review status: criteria provided, single submitter. Criteria: GeneDx Variant Classification Process June 2021. Collection method: clinical testing. Allele origin: germline. Affected: yes.
Comment: Not observed at significant frequency in large population cohorts (gnomAD); In silico analysis supports that this missense variant has a deleterious effect on protein structure/function; Has not been previously published as pathogenic or benign to our knowledge